The following is an entry in ClinVar:

NM_001206999.2(CIT):c.25C>T (p.Arg9Trp)

Gene: CIT (citron rho-interacting serine/threonine kinase; minus strand). Cytogenetic location: 12q24.23.
Variant type: single nucleotide variant.
Coding change: c.25C>T on transcript NM_001206999.2 (MANE Select); coding-DNA position 25, C replaced by T.
Protein change: p.Arg9Trp; replaces arginine 9 with tryptophan.
Molecular consequence: missense variant.
Genome position (GRCh38, 1-based): chr12:119,876,144, G>A on the plus strand (C>T on the coding strand, the complement: CIT is on the minus strand). VCF-style: chr12-119876144-G-A. GRCh37 (hg19) VCF-style: chr12-120313948-G-A.
Other names: c.25C>T, p.Arg9Trp (NM_007174.3); short protein forms R9W.
Identifiers: ClinVar variation 2060863 (VCV002060863.4), dbSNP rs766425863, ClinGen allele CA6822540.

ClinVar aggregate classification (germline): Uncertain significance (1 of 4 stars; one submission).

Allele frequency attached by ClinVar (database versions not stated): gnomAD 0.00004; TOPMed 0.00005; ExAC 0.00006; gnomAD exomes 0.00014.
gnomAD v4.1: 200 of 1,613,614 alleles (0.012%); highest among the groups gnomAD compares: Non-Finnish European, 0.016%; no homozygotes.

Submission:

Labcorp Genetics (formerly Invitae), Labcorp
Classification: Uncertain significance. Last evaluated: 2024-12-03. Review status: criteria provided, single submitter. Criteria: Invitae Variant Classification Sherloc (09022015). Collection method: clinical testing. Allele origin: germline.
Comment: This sequence change replaces arginine, which is basic and polar, with tryptophan, which is neutral and slightly polar, at codon 9 of the CIT protein (p.Arg9Trp). This variant is present in population databases (rs766425863, gnomAD 0.01%). This variant has not been reported in the literature in individuals affected with CIT-related conditions. ClinVar contains an entry for this variant (Variation ID: 2060863). An algorithm developed to predict the effect of missense changes on protein structure and function (PolyPhen-2) suggests that this variant is likely to be disruptive. In summary, the available evidence is currently insufficient to determine the role of this variant in disease. Therefore, it has been classified as a Variant of Uncertain Significance.